The following is an entry in ClinVar:

NM_003265.3(TLR3):c.2548G>A (p.Val850Ile)

Gene: TLR3 (toll like receptor 3; plus strand). Cytogenetic location: 4q35.1.
Variant type: single nucleotide variant.
Coding change: c.2548G>A on transcript NM_003265.3 (MANE Select); coding-DNA position 2548, G replaced by A.
Protein change: p.Val850Ile; replaces valine 850 with isoleucine.
Molecular consequence: missense variant.
Genome position (GRCh38, 1-based): chr4:186,084,706, G>A. VCF-style: chr4-186084706-G-A. GRCh37 (hg19) VCF-style: chr4-187005860-G-A.
Other names: short protein forms V850I.
Identifiers: ClinVar variation 4775288 (VCV004775288.1).

ClinVar aggregate classification (germline): Uncertain significance (1 of 4 stars; one submission).

Conditions:
Encephalopathy, acute, infection-induced (herpes-specific), susceptibility to, 1. Also called: Herpes simplex encephalitis, susceptibility to, 1. Identifiers: Orphanet 1930, MedGen C2750180, MONDO:0024563, OMIM 610551.

gnomAD v4.1: 6 of 1,613,790 alleles (0.00037%); highest among the groups gnomAD compares: East Asian, 0.0045%; no homozygotes.

Submission:

Labcorp Genetics (formerly Invitae), Labcorp
Classification: Uncertain significance for Encephalopathy, acute, infection-induced (herpes-specific), susceptibility to, 1. Last evaluated: 2025-07-29. Review status: criteria provided, single submitter. Criteria: Invitae Variant Classification Sherloc (09022015). Collection method: clinical testing. Allele origin: germline.
Comment: This sequence change replaces valine, which is neutral and non-polar, with isoleucine, which is neutral and non-polar, at codon 850 of the TLR3 protein (p.Val850Ile). This variant is present in population databases (no rsID available, gnomAD 0.002%). This variant has not been reported in the literature in individuals affected with TLR3-related conditions. An algorithm developed to predict the effect of missense changes on protein structure and function outputs the following: PolyPhen-2: "Benign". The isoleucine amino acid residue is found in multiple mammalian species, which suggests that this missense change does not adversely affect protein function. In summary, the available evidence is currently insufficient to determine the role of this variant in disease. Therefore, it has been classified as a Variant of Uncertain Significance.